The following is an entry in ClinVar:

NM_030777.4(SLC2A10):c.952A>G (p.Ser318Gly)

Gene: SLC2A10 (solute carrier family 2 member 10; plus strand). Cytogenetic location: 20q13.12.
Variant type: single nucleotide variant.
Coding change: c.952A>G on transcript NM_030777.4 (MANE Select); coding-DNA position 952, A replaced by G.
Protein change: p.Ser318Gly; replaces serine 318 with glycine.
Molecular consequence: missense variant.
Genome position (GRCh38, 1-based): chr20:46,725,988, A>G. VCF-style: chr20-46725988-A-G. GRCh37 (hg19) VCF-style: chr20-45354627-A-G.
Other names: short protein forms S318G.
Identifiers: ClinVar variation 2576838 (VCV002576838.1), dbSNP rs752973367, ClinGen allele CA9892076.
Genomic context (GRCh38, chr20:46,725,988, plus strand): 5'-GCTCTGTTGCTAGCTGGCTGTGCCCTCATGGCCCTGTCCGTCAGTGGCATAGGCCTCGTC[A>G]GCTTTGCCGTGCCCATGGACTCAGGCCCAAGCTGTCTGGCTGTGCCCAATGCCACCGGGC-3'
Protein context (NP_110404.1, residues 308-328): ALSVSGIGLV[Ser318Gly]FAVPMDSGPS

ClinVar aggregate classification (germline): Uncertain significance (1 of 4 stars; one submission).

Allele frequency attached by ClinVar (database versions not stated): gnomAD exomes below 0.00001; TOPMed below 0.00001; ExAC 0.00001.

Submission:

GeneDx
Classification: Uncertain significance. Last evaluated: 2023-02-15. Review status: criteria provided, single submitter. Criteria: GeneDx Variant Classification Process June 2021. Collection method: clinical testing. Allele origin: germline. Affected: yes.
Comment: Not observed at significant frequency in large population cohorts (gnomAD); In silico analysis supports that this missense variant does not alter protein structure/function; Has not been previously published as pathogenic or benign to our knowledge